The following is an entry in ClinVar:

ClinVar aggregate classification (germline): Likely benign. Review status: criteria provided, multiple submitters, no conflicts (2 of 4 stars). 2 submissions from 2 submitters: Likely benign (2). Last evaluated 2025-08-18.

Conditions:
PKLR-related disorder. Also called: PKLR-related condition.

gnomAD v4.1: 43 of 1,613,462 alleles (0.0027%); highest among the groups gnomAD compares: Admixed American, 0.035%; no homozygotes.

Submissions (2):

PreventionGenetics, part of Exact Sciences
Classification: Likely benign for PKLR-related condition. Last evaluated: 2025-08-18. Review status: criteria provided, single submitter. Criteria: ACMG Guidelines, 2015. Collection method: clinical testing. Allele origin: germline.
Comment: This variant is classified as likely benign based on ACMG/AMP sequence variant interpretation guidelines (Richards et al. 2015 PMID: 25741868, with internal and published modifications).

Mayo Clinic Laboratories, Mayo Clinic
Classification: Likely benign. Last evaluated: 2024-12-10. Review status: criteria provided, single submitter. Criteria: ACMG Guidelines, 2015. Collection method: clinical testing. Allele origin: germline. Observed: 1 variant allele.
Comment: BP4, BP7, PM2_supporting

NM_000298.6(PKLR):c.282C>T (p.Ile94=)

Gene: PKLR (pyruvate kinase L/R; minus strand). Cytogenetic location: 1q22.
Variant type: single nucleotide variant.
Coding change: c.282C>T on transcript NM_000298.6 (MANE Select); coding-DNA position 282, C replaced by T.
Protein change: p.Ile94=; no amino-acid change (isoleucine 94 retained).
Molecular consequence: synonymous variant.
Genome position (GRCh38, 1-based): chr1:155,300,099, G>A on the plus strand (C>T on the coding strand, the complement: PKLR is on the minus strand). VCF-style: chr1-155300099-G-A. GRCh37 (hg19) VCF-style: chr1-155269890-G-A.
Other names: p.Ile94=; c.189C>T, p.Ile63= (NM_181871.4); c.282C>T (NM_000298.5).
Identifiers: ClinVar variation 4683508 (VCV004683508.2).